The following is an entry in ClinVar:

NM_000104.4(CYP1B1):c.1064G>C (p.Arg355Pro)

Gene: CYP1B1 (cytochrome P450 family 1 subfamily B member 1; minus strand). Cytogenetic location: 2p22.2.
Variant type: single nucleotide variant.
Coding change: c.1064G>C on transcript NM_000104.4 (MANE Select); coding-DNA position 1064, G replaced by C.
Protein change: p.Arg355Pro; replaces arginine 355 with proline.
Molecular consequence: missense variant.
Genome position (GRCh38, 1-based): chr2:38,071,290, C>G on the plus strand (G>C on the coding strand, the complement: CYP1B1 is on the minus strand). VCF-style: chr2-38071290-C-G. GRCh37 (hg19) VCF-style: chr2-38298433-C-G.
Other names: short protein forms R355P.
Identifiers: ClinVar variation 2628045 (VCV002628045.2), dbSNP rs747810555, ClinGen allele CA1619870.

ClinVar aggregate classification (germline): Likely pathogenic (1 of 4 stars; one submission).

Conditions:
Glaucoma 3A. Also called: Glaucoma 3, primary congenital, A. Identifiers: Orphanet 98976, Orphanet 98977, MedGen C1856439, MONDO:0009277, OMIM 231300.

Allele frequency attached by ClinVar (database versions not stated): gnomAD 0.00001; TOPMed 0.00001; ExAC 0.00002.
gnomAD v4.1: 3 of 1,612,192 alleles (0.00019%); highest among the groups gnomAD compares: Admixed American, 0.0033%; no homozygotes.

Submission:

DBGen Ocular Genomics
Classification: Likely pathogenic for Glaucoma 3A. Last evaluated: 2022-01-01. Review status: criteria provided, single submitter. Criteria: ACMG Guidelines, 2015. Collection method: clinical testing. Allele origin: unknown. Inheritance: Autosomal recessive inheritance. Affected: yes.
Comment: Class 4 ACMG Guidelines, 2015